The following is an entry in ClinVar:

NM_004656.4(BAP1):c.67+9C>T

Gene: BAP1 (BRCA1 associated deubiquitinase 1; minus strand). Cytogenetic location: 3p21.1.
Variant type: single nucleotide variant.
Coding change: c.67+9C>T on transcript NM_004656.4 (MANE Select); 9 bases into the intron after coding-DNA position 67, C replaced by T.
Molecular consequence: intron variant.
Genome position (GRCh38, 1-based): chr3:52,409,705, G>A on the plus strand (C>T on the coding strand, the complement: BAP1 is on the minus strand). VCF-style: chr3-52409705-G-A. GRCh37 (hg19) VCF-style: chr3-52443721-G-A.
Identifiers: ClinVar variation 764786 (VCV000764786.11), dbSNP rs748659305, ClinGen allele CA2437227.

ClinVar aggregate classification (germline): Likely benign. Review status: criteria provided, multiple submitters, no conflicts (2 of 4 stars). 2 submissions from 2 submitters: Likely benign (2). Last evaluated 2024-07-11.

Conditions:
BAP1-related tumor predisposition syndrome (TPDS1). Also called: Tumor susceptibility linked to germline BAP1 mutations; TUMOR PREDISPOSITION SYNDROME 1; BAP1 tumor predisposition syndrome; COMMON Syndrome. Identifiers: Orphanet 289539, MedGen C3280492, MONDO:0013692, OMIM 614327.

Allele frequency attached by ClinVar (database versions not stated): ExAC 0.00001; gnomAD 0.00001; TOPMed 0.00001.

Submissions (2):

Myriad Genetics, Inc.
Classification: Likely benign for BAP1-related tumor predisposition syndrome. Last evaluated: 2024-07-11. Review status: criteria provided, single submitter. Criteria: Myriad Autosomal Dominant, Autosomal Recessive and X-Linked Classification Criteria (2023). Collection method: clinical testing. Allele origin: unknown.
Comment: This variant is considered likely benign. This variant is intronic and is not expected to impact mRNA splicing.

Labcorp Genetics (formerly Invitae), Labcorp
Classification: Likely benign for BAP1-related tumor predisposition syndrome. Last evaluated: 2024-02-08. Review status: criteria provided, single submitter. Criteria: Invitae Variant Classification Sherloc (09022015). Collection method: clinical testing. Allele origin: germline.